The following is an entry in ClinVar:

NM_006000.3(TUBA4A):c.130G>A (p.Gly44Arg)

Gene: TUBA4A (tubulin alpha 4a; minus strand). Cytogenetic location: 2q35.
Variant type: single nucleotide variant.
Coding change: c.130G>A on transcript NM_006000.3 (MANE Select); coding-DNA position 130, G replaced by A.
Protein change: p.Gly44Arg; replaces glycine 44 with arginine.
Molecular consequence: missense variant.
Genome position (GRCh38, 1-based): chr2:219,252,104, C>T on the plus strand (G>A on the coding strand, the complement: TUBA4A is on the minus strand). VCF-style: chr2-219252104-C-T. GRCh37 (hg19) VCF-style: chr2-220116826-C-T.
Other names: c.85G>A, p.Gly29Arg (NM_001278552.2); short protein forms G29R, G44R.
Identifiers: ClinVar variation 1804601 (VCV001804601.1), dbSNP rs768583053, ClinGen allele CA2122535.
Genomic context (GRCh38, chr2:219,252,104, plus strand): 5'-GGGGTACGTGTTTTCCAGCACCAGTTTCACAGAAGAAGGTGGTGAAGGAGTCGTCCCCTC[C>T]ACCAATGGTCTTGTCACTGGGCATCTGCCCATCAGGCTGAATCCCATGTTCCAAGCAATA-3'
Protein context (NP_005991.1, residues 34-54): GQMPSDKTIG[Gly44Arg]GDDSFTTFFC

ClinVar aggregate classification (germline): Uncertain significance (1 of 4 stars; one submission).

Allele frequency attached by ClinVar (database versions not stated): gnomAD exomes below 0.00001; ExAC 0.00001.

Submission:

GeneDx
Classification: Uncertain significance. Last evaluated: 2022-06-16. Review status: criteria provided, single submitter. Criteria: GeneDx Variant Classification Process June 2021. Collection method: clinical testing. Allele origin: germline. Affected: yes.
Comment: Not observed at significant frequency in large population cohorts (gnomAD); In silico analysis supports that this missense variant has a deleterious effect on protein structure/function; Has not been previously published as pathogenic or benign to our knowledge